The following is an entry in ClinVar:

NM_002439.5(MSH3):c.1882A>G (p.Ile628Val)

Gene: MSH3 (mutS homolog 3; plus strand). Cytogenetic location: 5q14.1.
Variant type: single nucleotide variant.
Coding change: c.1882A>G on transcript NM_002439.5 (MANE Select); coding-DNA position 1882, A replaced by G.
Protein change: p.Ile628Val; replaces isoleucine 628 with valine.
Molecular consequence: missense variant.
Genome position (GRCh38, 1-based): chr5:80,761,664, A>G. VCF-style: chr5-80761664-A-G. GRCh37 (hg19) VCF-style: chr5-80057483-A-G.
Other names: short protein forms I628V.
Identifiers: ClinVar variation 1004474 (VCV001004474.8), dbSNP rs1744037996, ClinGen allele CA360276714.

ClinVar aggregate classification (germline): Uncertain significance (1 of 4 stars; one submission).

Submission:

Labcorp Genetics (formerly Invitae), Labcorp
Classification: Uncertain significance. Last evaluated: 2020-09-02. Review status: criteria provided, single submitter. Criteria: Invitae Variant Classification Sherloc (09022015). Collection method: clinical testing. Allele origin: germline.
Comment: This sequence change replaces isoleucine with valine at codon 628 of the MSH3 protein (p.Ile628Val). The isoleucine residue is highly conserved and there is a small physicochemical difference between isoleucine and valine. This variant is not present in population databases (ExAC no frequency). This variant has not been reported in the literature in individuals with MSH3-related conditions. Algorithms developed to predict the effect of missense changes on protein structure and function are either unavailable or do not agree on the potential impact of this missense change (SIFT: "Tolerated"; PolyPhen-2: "Possibly Damaging"; Align-GVGD: "Class C0"). In summary, the available evidence is currently insufficient to determine the role of this variant in disease. Therefore, it has been classified as a Variant of Uncertain Significance.